The following is an entry in ClinVar:

ClinVar aggregate classification (germline): Uncertain significance. Review status: criteria provided, multiple submitters, no conflicts (2 of 4 stars). 3 submissions from 3 submitters: Uncertain significance (3). Last evaluated 2024-05-01.

Conditions:
Renal hypodysplasia/aplasia 1 (RHDA1). Also called: HEREDITARY RENAL APLASIA; RENAL APLASIA. Identifiers: Orphanet 411709, MedGen C1619700, MONDO:0024519, OMIM 191830.

Allele frequency attached by ClinVar (database versions not stated): 1000 Genomes Project 0.00040; ESP Exome Variant Server 0.00046; gnomAD 0.00069 and 0.00057; TOPMed 0.00069; 1000 Genomes Project 30x 0.00047.
gnomAD v4.1: 1,389 of 1,614,110 alleles (0.086%); highest among the groups gnomAD compares: South Asian, 0.12%; 2 homozygotes.

Submissions (3):

CeGaT Center for Human Genetics Tuebingen
Classification: Uncertain significance. Last evaluated: 2024-05-01. Review status: criteria provided, single submitter. Criteria: CeGaT Center For Human Genetics Tuebingen Variant Classification Criteria Version 2. Collection method: clinical testing. Allele origin: germline. Affected: yes. Observed: 1 variant allele.
Comment: UPK3A: PM2, BP4

Illumina Laboratory Services, Illumina
Classification: Uncertain significance for Renal hypodysplasia/aplasia 1. Last evaluated: 2018-01-13. Review status: criteria provided, single submitter. Criteria: ICSL Variant Classification Criteria 13 December 2019. Collection method: clinical testing. Allele origin: germline.

Lupski Lab, Baylor-Hopkins CMG, Baylor College of Medicine
Classification: Uncertain significance for Renal hypodysplasia/aplasia 1. Review status: criteria provided, single submitter. Criteria: Bekheirnia et al. (Genet Med. 2016). Collection method: research. Allele origin: maternal. Inheritance: Autosomal dominant inheritance. Affected: yes. Observed: 1 heterozygote.

NM_006953.4(UPK3A):c.202G>A (p.Asp68Asn)

Gene: UPK3A (uroplakin 3A; plus strand). Cytogenetic location: 22q13.31.
Variant type: single nucleotide variant.
Coding change: c.202G>A on transcript NM_006953.4 (MANE Select); coding-DNA position 202, G replaced by A.
Protein change: p.Asp68Asn; replaces aspartic acid 68 with asparagine.
Molecular consequence: missense variant.
Genome position (GRCh38, 1-based): chr22:45,286,090, G>A. VCF-style: chr22-45286090-G-A. GRCh37 (hg19) VCF-style: chr22-45681971-G-A.
Other names: c.202G>A, p.Asp68Asn (NM_001167574.2); short protein forms D68N.
Identifiers: ClinVar variation 224348 (VCV000224348.25), dbSNP rs145186308, ClinGen allele CA10284299.